The following is an entry in ClinVar:

NM_177924.5(ASAH1):c.275A>G (p.Lys92Arg)

Gene: ASAH1 (N-acylsphingosine amidohydrolase 1; minus strand). Cytogenetic location: 8p22.
Variant type: single nucleotide variant.
Coding change: c.275A>G on transcript NM_177924.5 (MANE Select); coding-DNA position 275, A replaced by G.
Protein change: p.Lys92Arg; replaces lysine 92 with arginine.
Molecular consequence: missense variant. On other transcripts: intron variant (1).
Genome position (GRCh38, 1-based): chr8:18,069,820, T>C on the plus strand (A>G on the coding strand, the complement: ASAH1 is on the minus strand). VCF-style: chr8-18069820-T-C. GRCh37 (hg19) VCF-style: chr8-17927329-T-C.
Other names: c.80A>G, p.Lys27Arg (NM_001363743.2); c.323A>G, p.Lys108Arg (NM_004315.6); c.285+1480A>G (NM_001127505.3); short protein forms K108R, K27R, K92R.
Identifiers: ClinVar variation 1449881 (VCV001449881.4), dbSNP rs2117056300, ClinGen allele CA370433110.

ClinVar aggregate classification (germline): Uncertain significance (1 of 4 stars; one submission).

Allele frequency attached by ClinVar (database versions not stated): gnomAD exomes 0.00001.
gnomAD v4.1: 4 of 1,589,918 alleles (0.00025%); highest among the groups gnomAD compares: South Asian, 0.0033%; no homozygotes.

Submission:

Labcorp Genetics (formerly Invitae), Labcorp
Classification: Uncertain significance. Last evaluated: 2021-10-27. Review status: criteria provided, single submitter. Criteria: Invitae Variant Classification Sherloc (09022015). Collection method: clinical testing. Allele origin: germline.
Comment: In summary, the available evidence is currently insufficient to determine the role of this variant in disease. Therefore, it has been classified as a Variant of Uncertain Significance. Algorithms developed to predict the effect of missense changes on protein structure and function output the following: SIFT: "Tolerated"; PolyPhen-2: "Benign"; Align-GVGD: "Class C0". The arginine amino acid residue is found in multiple mammalian species, which suggests that this missense change does not adversely affect protein function. This variant has not been reported in the literature in individuals affected with ASAH1-related conditions. This variant is not present in population databases (gnomAD no frequency). This sequence change replaces lysine, a(n) basic and polar amino acid, with arginine, a(n) basic and polar amino acid, at codon 92 of the ASAH1 protein (p.Lys92Arg).